The following is an entry in ClinVar:

ClinVar aggregate classification (germline): Pathogenic (1 of 4 stars; one submission).

Conditions:
Gorlin syndrome. Also called: Nevoid Basal Cell Carcinoma Syndrome; Basal cell nevus syndrome. Identifiers: Orphanet 377, MedGen C0004779, MONDO:0007187.

Submission:

Labcorp Genetics (formerly Invitae), Labcorp
Classification: Pathogenic for Gorlin syndrome. Last evaluated: 2024-04-17. Review status: criteria provided, single submitter. Criteria: Invitae Variant Classification Sherloc (09022015). Collection method: clinical testing. Allele origin: germline.
Comment: This sequence change creates a premature translational stop signal (p.Asn979Argfs*7) in the PTCH1 gene. It is expected to result in an absent or disrupted protein product. Loss-of-function variants in PTCH1 are known to be pathogenic (PMID: 16301862, 16419085). This variant is not present in population databases (gnomAD no frequency). This variant has not been reported in the literature in individuals affected with PTCH1-related conditions. For these reasons, this variant has been classified as Pathogenic.

Literature cited by the submitters: PubMed 16301862; PubMed 16419085.

NM_000264.5(PTCH1):c.2936_2955del (p.Asn979fs)

Gene: PTCH1 (patched 1; minus strand). Cytogenetic location: 9q22.32.
Variant type: Deletion.
Coding change: c.2936_2955del on transcript NM_000264.5 (MANE Select); coding-DNA positions 2936 to 2955, 20 bases deleted (ACGGCTTGCGGGACACCTCA).
Protein change: p.Asn979fs; shifts the reading frame from asparagine 979.
Molecular consequence: frameshift variant. On other transcripts: non-coding transcript variant (1).
Genome position (GRCh38, 1-based): chr9:95,458,226-95,458,245, TGAGGTGTCCCGCAAGCCGT deleted on the plus strand (ACGGCTTGCGGGACACCTCA on the coding strand, the reverse complement: PTCH1 is on the minus strand); deleting any 20 consecutive bases within chr9:95,458,226-95,458,251 gives the same sequence; the c. name uses the placement nearest the transcript's 3' end. VCF-style (leftmost placement, unchanged base first): chr9-95458225-CTGAGGTGTCCCGCAAGCCGT-C. GRCh37 (hg19) VCF-style: chr9-98220507-CTGAGGTGTCCCGCAAGCCGT-C.
Other names: c.2483_2502del, p.Asn828fs (NM_001083605.3, NM_001083606.3, NM_001083607.3 and 1 more transcripts); c.2780_2799del, p.Asn927fs (NM_001354918.2); c.2738_2757del, p.Asn913fs (NM_001083602.3); c.2933_2952del, p.Asn978fs (NM_001083603.3); short protein forms N913fs, N927fs, N978fs, N828fs, N979fs.
Identifiers: ClinVar variation 3650166 (VCV003650166.2).